The following is an entry in ClinVar:

ClinVar aggregate classification (germline): Uncertain significance (1 of 4 stars; one submission).

Conditions:
Cardiovascular phenotype. Identifiers: MedGen CN230736.

Allele frequency attached by ClinVar (database versions not stated): gnomAD exomes below 0.00001; TOPMed 0.00002; gnomAD 0.00003.
gnomAD v4.1: 5 of 1,613,102 alleles (0.00031%); highest among the groups gnomAD compares: African/African-American, 0.0027%; no homozygotes.

Submission:

Ambry Genetics
Classification: Uncertain significance for Cardiovascular phenotype. Last evaluated: 2019-10-18. Review status: criteria provided, single submitter. Criteria: Ambry Variant Classification Scheme 2023. Collection method: clinical testing. Allele origin: germline.
Comment: The p.A16840T variant (also known as c.50518G>A), located in coding exon 153 of the TTN gene, results from a G to A substitution at nucleotide position 50518. The alanine at codon 16840 is replaced by threonine, an amino acid with similar properties. This amino acid position is highly conserved in available vertebrate species. In addition, this alteration is predicted to be tolerated by in silico analysis. Since supporting evidence is limited at this time, the clinical significance of this alteration remains unclear.

NM_001267550.2(TTN):c.77713G>A (p.Ala25905Thr)

Genes: TTN (titin; minus strand), TTN-AS1 (TTN antisense RNA 1; plus strand). Cytogenetic location: 2q31.2.
Variant type: single nucleotide variant.
Coding change: c.77713G>A on transcript NM_001267550.2 (MANE Select); coding-DNA position 77713, G replaced by A.
Protein change: p.Ala25905Thr; replaces alanine 25905 with threonine.
Molecular consequence: missense variant.
Genome position (GRCh38, 1-based): chr2:178,568,419, C>T on the plus strand (G>A on the coding strand, the complement: TTN is on the minus strand). VCF-style: chr2-178568419-C-T. GRCh37 (hg19) VCF-style: chr2-179433146-C-T.
Other names: c.72790G>A, p.Ala24264Thr (NM_001256850.1); c.50518G>A, p.Ala16840Thr (NM_003319.4); c.70009G>A, p.Ala23337Thr (NM_133378.4); c.50893G>A, p.Ala16965Thr (NM_133432.3); c.51094G>A, p.Ala17032Thr (NM_133437.4); short protein forms A16965T, A17032T, A25905T, A23337T, A24264T, A16840T.
Identifiers: ClinVar variation 1745037 (VCV001745037.2), dbSNP rs1019296317, ClinGen allele CA60992004.